The following is an entry in ClinVar:

ClinVar aggregate classification (germline): Uncertain significance. Review status: criteria provided, multiple submitters, no conflicts (2 of 4 stars). 2 submissions from 2 submitters: Uncertain significance (2). Last evaluated 2024-03-16.

Conditions:
Inborn genetic diseases. Identifiers: MedGen C0950123, MeSH D030342.
Familial cold autoinflammatory syndrome 3 (FCAS3). Also called: ANTIBODY DEFICIENCY AND IMMUNE DYSREGULATION, PLCG2-ASSOCIATED; FAMILIAL ATYPICAL COLD URTICARIA. Identifiers: Orphanet 300359, MedGen C3280914, MONDO:0013766, OMIM 614468.

Allele frequency attached by ClinVar (database versions not stated): gnomAD exomes below 0.00001; ExAC 0.00004; gnomAD 0.00004; TOPMed 0.00005; ESP Exome Variant Server 0.00008; 1000 Genomes Project 30x 0.00016; 1000 Genomes Project 0.00020.
gnomAD v4.1: 11 of 1,606,806 alleles (0.00068%); highest among the groups gnomAD compares: African/African-American, 0.013%; no homozygotes.

Submissions (2):

Labcorp Genetics (formerly Invitae), Labcorp
Classification: Uncertain significance for Familial cold autoinflammatory syndrome 3. Last evaluated: 2024-03-16. Review status: criteria provided, single submitter. Criteria: Invitae Variant Classification Sherloc (09022015). Collection method: clinical testing. Allele origin: germline.
Comment: This sequence change replaces methionine, which is neutral and non-polar, with valine, which is neutral and non-polar, at codon 277 of the PLCG2 protein (p.Met277Val). The frequency data for this variant in the population databases is considered unreliable, as metrics indicate poor data quality at this position in the gnomAD database. This variant has not been reported in the literature in individuals affected with PLCG2-related conditions. ClinVar contains an entry for this variant (Variation ID: 2163240). Algorithms developed to predict the effect of missense changes on protein structure and function output the following: SIFT: "Not Available"; PolyPhen-2: "Probably Damaging"; Align-GVGD: "Not Available". The valine amino acid residue is found in multiple mammalian species, which suggests that this missense change does not adversely affect protein function. In summary, the available evidence is currently insufficient to determine the role of this variant in disease. Therefore, it has been classified as a Variant of Uncertain Significance.

Ambry Genetics
Classification: Uncertain significance for Inborn genetic diseases. Last evaluated: 2022-03-29. Review status: criteria provided, single submitter. Criteria: Ambry Variant Classification Scheme 2023. Collection method: clinical testing. Allele origin: germline.

NM_002661.5(PLCG2):c.829A>G (p.Met277Val)

Gene: PLCG2 (phospholipase C gamma 2; plus strand). Cytogenetic location: 16q23.3.
Variant type: single nucleotide variant.
Coding change: c.829A>G on transcript NM_002661.5 (MANE Select); coding-DNA position 829, A replaced by G.
Protein change: p.Met277Val; replaces methionine 277 with valine.
Molecular consequence: missense variant.
Genome position (GRCh38, 1-based): chr16:81,889,235, A>G. VCF-style: chr16-81889235-A-G. GRCh37 (hg19) VCF-style: chr16-81922840-A-G.
Other names: short protein forms M277V.
Identifiers: ClinVar variation 2163240 (VCV002163240.5), dbSNP rs372494175, ClinGen allele CA8193464.
Genomic context (GRCh38, chr16:81,889,235, plus strand): 5'-CATTGGGCTCAGGATCTGAACAAAGTCCGTGAGCGGATGACAAAGTTCATTGATGACACC[A>G]TGCGTGAAACTGCTGAGCCTTTCTTGTTTGTGGATGAGGTGAGTAGGCTGGGCTTGTTGT-3'
Protein context (NP_002652.2, residues 267-287): ERMTKFIDDT[Met277Val]RETAEPFLFV